The following is an entry in ClinVar:

NM_170682.4(P2RX2):c.830C>T (p.Ser277Leu)

Gene: P2RX2 (purinergic receptor P2X 2; plus strand). Cytogenetic location: 12q24.33.
Variant type: single nucleotide variant.
Coding change: c.830C>T on transcript NM_170682.4 (MANE Select); coding-DNA position 830, C replaced by T.
Protein change: p.Ser277Leu; replaces serine 277 with leucine.
Molecular consequence: missense variant.
Genome position (GRCh38, 1-based): chr12:132,621,056, C>T. VCF-style: chr12-132621056-C-T. GRCh37 (hg19) VCF-style: chr12-133197642-C-T.
Other names: c.728C>T, p.Ser243Leu (NM_001282164.2); c.830C>T, p.Ser277Leu (NM_001282165.2, NM_170683.4, NM_174873.3); c.614C>T, p.Ser205Leu (NM_012226.5); c.758C>T, p.Ser253Leu (NM_016318.4); c.554C>T, p.Ser185Leu (NM_174872.3); short protein forms S185L, S205L, S243L, S253L, S277L.
Identifiers: ClinVar variation 1702781 (VCV001702781.2), dbSNP rs1033799448, ClinGen allele CA246279769.

ClinVar aggregate classification (germline): Uncertain significance (1 of 4 stars; one submission).

Allele frequency attached by ClinVar (database versions not stated): gnomAD exomes 0.00001; TOPMed 0.00004.

Submission:

GeneDx
Classification: Uncertain significance. Last evaluated: 2022-02-22. Review status: criteria provided, single submitter. Criteria: GeneDx Variant Classification Process June 2021. Collection method: clinical testing. Allele origin: germline. Affected: yes.
Comment: In silico analysis supports that this missense variant has a deleterious effect on protein structure/function; Has not been previously published as pathogenic or benign to our knowledge